The following is an entry in ClinVar:

ClinVar aggregate classification (germline): Uncertain significance (1 of 4 stars; one submission).

Conditions:
Leigh syndrome (NULS). Also called: Leigh's necrotizing encephalopathy; Leigh's disease; Leigh's syndrome; LEIGH SYNDROME, NUCLEAR; Leigh Syndrome (mtDNA deletion); Leigh Disease. Identifiers: Orphanet 506, MedGen C2931891, MONDO:0009723, OMIM 256000.

Submission:

Wong Mito Lab, Molecular and Human Genetics, Baylor College of Medicine
Classification: Uncertain significance for Leigh syndrome. Last evaluated: 2019-10-17. Review status: criteria provided, single submitter. Criteria: Modified ACMG Guidelines (Unpublished). Collection method: clinical testing. Allele origin: germline.
Comment: The NC_012920.1:m.14544G>T (YP_003024037.1:p.Leu44Met) variant in MTND6 gene is interpretated to be a Uncertain Significance variant based on the modified ACMG guidelines (unpublished). This variant meets the following evidence codes: PM9, PP7

NC_012920.1(MT-ND6):m.14544G>T

Gene: MT-ND6 (mitochondrially encoded NADH dehydrogenase 6; minus strand).
Variant type: single nucleotide variant.
Genome position: chrM-14544-G-T.
Identifiers: ClinVar variation 693733 (VCV000693733.1), dbSNP rs371485573, ClinGen allele CA414822972.